The following is an entry in ClinVar:

NM_000059.4(BRCA2):c.1592_1593del (p.Lys531fs)

Gene: BRCA2 (BRCA2 DNA repair associated; plus strand). Cytogenetic location: 13q13.1.
Variant type: Deletion.
Coding change: c.1592_1593del on transcript NM_000059.4 (MANE Select); coding-DNA positions 1592 to 1593, 2 bases deleted (AA; older notation c.1592_1593delAA).
Protein change: p.Lys531fs; shifts the reading frame from lysine 531.
Molecular consequence: frameshift variant.
Genome position (GRCh38, 1-based): chr13:32,333,070-32,333,071, AA deleted; deleting any 2 consecutive bases within chr13:32,333,066-32,333,071 gives the same sequence; the c. name uses the placement nearest the transcript's 3' end. VCF-style (leftmost placement, unchanged base first): chr13-32333065-TAA-T. GRCh37 (hg19) VCF-style: chr13-32907202-TAA-T.
Other names: short protein forms K531fs.
Identifiers: ClinVar variation 1405535 (VCV001405535.6), dbSNP rs397507272, ClinGen allele CA2573149284.

ClinVar aggregate classification (germline): Pathogenic (1 of 4 stars; one submission).

Conditions:
Hereditary breast ovarian cancer syndrome. Also called: Hereditary breast and ovarian cancer syndrome; BRCA1- and BRCA2-Associated Hereditary Breast and Ovarian Cancer; Breast and ovarian cancer; Hereditary breast and/or ovarian cancer syndrome; Hereditary breast and ovarian cancer syndrome (HBOC); Hereditary breast and ovarian cancer. Identifiers: Orphanet 145, MedGen C0677776, MeSH D061325, MONDO:0003582. Disease mechanism: loss of function.

Submission:

Labcorp Genetics (formerly Invitae), Labcorp
Classification: Pathogenic for Hereditary breast ovarian cancer syndrome. Last evaluated: 2022-04-18. Review status: criteria provided, single submitter. Criteria: Invitae Variant Classification Sherloc (09022015). Collection method: clinical testing. Allele origin: germline.
Comment: For these reasons, this variant has been classified as Pathogenic. This variant has not been reported in the literature in individuals affected with BRCA2-related conditions. This variant is not present in population databases (gnomAD no frequency). This sequence change creates a premature translational stop signal (p.Lys531Argfs*3) in the BRCA2 gene. It is expected to result in an absent or disrupted protein product. Loss-of-function variants in BRCA2 are known to be pathogenic (PMID: 20104584).

Literature cited by the submitters: PubMed 20104584.